The following is an entry in ClinVar:

NM_001291303.3(FAT4):c.14486G>C (p.Arg4829Thr)

Gene: FAT4 (FAT atypical cadherin 4; plus strand). Cytogenetic location: 4q28.1.
Variant type: single nucleotide variant.
Coding change: c.14486G>C on transcript NM_001291303.3 (MANE Select); coding-DNA position 14486, G replaced by C.
Protein change: p.Arg4829Thr; replaces arginine 4829 with threonine.
Molecular consequence: missense variant.
Genome position (GRCh38, 1-based): chr4:125,491,302, G>C. VCF-style: chr4-125491302-G-C. GRCh37 (hg19) VCF-style: chr4-126412457-G-C.
Other names: c.14483G>C, p.Arg4828Thr (NM_001291285.3); c.14480G>C, p.Arg4827Thr (NM_024582.6); c.14480G>C (NM_024582.4); short protein forms R4829T, R4828T, R4827T.
Identifiers: ClinVar variation 1499643 (VCV001499643.8), dbSNP rs368984725, ClinGen allele CA3074575.

ClinVar aggregate classification (germline): Uncertain significance. Review status: criteria provided, multiple submitters, no conflicts (2 of 4 stars). 3 submissions from 3 submitters: Uncertain significance (3). Last evaluated 2024-12-15.

Conditions:
Inborn genetic diseases. Identifiers: MedGen C0950123, MeSH D030342.

Allele frequency attached by ClinVar (database versions not stated): gnomAD exomes 0.00001 and 0.00002; ExAC 0.00002; gnomAD 0.00003; TOPMed 0.00003; ESP Exome Variant Server 0.00008.
gnomAD v4.1: 19 of 1,614,044 alleles (0.0012%); highest among the groups gnomAD compares: Non-Finnish European, 0.00034%; no homozygotes.

Submissions (3):

Labcorp Genetics (formerly Invitae), Labcorp
Classification: Uncertain significance. Last evaluated: 2024-12-15. Review status: criteria provided, single submitter. Criteria: Invitae Variant Classification Sherloc (09022015). Collection method: clinical testing. Allele origin: germline.
Comment: This sequence change replaces arginine, which is basic and polar, with threonine, which is neutral and polar, at codon 4827 of the FAT4 protein (p.Arg4827Thr). This variant is present in population databases (rs368984725, gnomAD 0.04%). This variant has not been reported in the literature in individuals affected with FAT4-related conditions. ClinVar contains an entry for this variant (Variation ID: 1499643). Invitae Evidence Modeling of protein sequence and biophysical properties (such as structural, functional, and spatial information, amino acid conservation, physicochemical variation, residue mobility, and thermodynamic stability) indicates that this missense variant is not expected to disrupt FAT4 protein function with a negative predictive value of 95%. In summary, the available evidence is currently insufficient to determine the role of this variant in disease. Therefore, it has been classified as a Variant of Uncertain Significance.

Ambry Genetics
Classification: Uncertain significance for Inborn genetic diseases. Last evaluated: 2023-10-13. Review status: criteria provided, single submitter. Criteria: Ambry Variant Classification Scheme 2023. Collection method: clinical testing. Allele origin: germline.

Breakthrough Genomics
Classification: Uncertain significance. Review status: criteria provided, single submitter. Criteria: ACMG Guidelines, 2015. Collection method: not provided. Allele origin: germline. Inheritance: Autosomal recessive inheritance. Affected: yes.